The following is an entry in ClinVar:

NM_033028.5(BBS4):c.220+1G>A

Gene: BBS4 (Bardet-Biedl syndrome 4; plus strand). Cytogenetic location: 15q24.1.
Variant type: single nucleotide variant.
Coding change: c.220+1G>A on transcript NM_033028.5 (MANE Select); the canonical splice donor site of the intron after coding-DNA position 220, G replaced by A.
Molecular consequence: splice donor variant.
Genome position (GRCh38, 1-based): chr15:72,712,308, G>A. VCF-style: chr15-72712308-G-A. GRCh37 (hg19) VCF-style: chr15-73004649-G-A.
Other names: c.220+1G>A (NM_001320665.2, NM_033028.4); c.-302+1G>A (NM_001252678.2).
Identifiers: ClinVar variation 2198631 (VCV002198631.8), dbSNP rs113994190, ClinGen allele CA393076232.
Genomic context (GRCh38, chr15:72,712,308, plus strand): 5'-TTATCAAAGAACAGCTTCAAGAGACTCAGGGATTGTGTGAATATGCTATCTATGTCCAAG[G>A]TAAGACACATACTTCTTGTCTTCTTGCTAGAGAAATACACTTTTCCTAGGTTCTTGAAAA-3'

ClinVar aggregate classification (germline): Pathogenic. Review status: criteria provided, single submitter (1 of 4 stars). 2 submissions from 2 submitters: Pathogenic (1). 1 of the submissions does not count toward it. Last evaluated 2023-10-16.

Conditions:
BBS4-related disorder. Also called: BBS4-related condition.
Bardet-Biedl syndrome (BBS). Identifiers: Orphanet 110, MedGen C0752166, MONDO:0015229.

Allele frequency attached by ClinVar (database versions not stated): gnomAD exomes below 0.00001; TOPMed below 0.00001.
gnomAD v4.1: 6 of 1,612,718 alleles (0.00037%); highest among the groups gnomAD compares: African/African-American, 0.0013%; no homozygotes.

Submissions (2):

Labcorp Genetics (formerly Invitae), Labcorp
Classification: Pathogenic for Bardet-Biedl syndrome. Last evaluated: 2023-10-16. Review status: criteria provided, single submitter. Criteria: Invitae Variant Classification Sherloc (09022015). Collection method: clinical testing. Allele origin: germline.
Comment: This sequence change affects a donor splice site in intron 4 of the BBS4 gene. It is expected to disrupt RNA splicing. Variants that disrupt the donor or acceptor splice site typically lead to a loss of protein function (PMID: 16199547), and loss-of-function variants in BBS4 are known to be pathogenic (PMID: 11381270, 12016587, 20177705, 27894351). This variant is present in population databases (no rsID available, gnomAD 0.0009%). Disruption of this splice site has been observed in individuals with Bardet–Biedl syndrome (PMID: 11381270; Invitae). ClinVar contains an entry for this variant (Variation ID: 2198631). Algorithms developed to predict the effect of sequence changes on RNA splicing suggest that this variant may disrupt the consensus splice site. For these reasons, this variant has been classified as Pathogenic.

PreventionGenetics, part of Exact Sciences
Classification: Likely pathogenic for BBS4-related condition. Last evaluated: 2024-09-03. Review status: no assertion criteria provided. Collection method: clinical testing. Allele origin: germline. Not counted in ClinVar's aggregate classification.
Comment: The BBS4 c.220+1G>A variant is predicted to disrupt the GT donor site and interfere with normal splicing. To our knowledge, this variant has not been reported in the literature. This variant is reported in 0.00088% of alleles in individuals of European (Non-Finnish) descent in gnomAD. Variants that disrupt the consensus splice donor site in BBS4 are expected to be pathogenic. This variant is interpreted as likely pathogenic.

Literature cited by the submitters: PubMed 16199547 (cited by Labcorp Genetics (formerly Invitae), Labcorp); PubMed 11381270 (cited by Labcorp Genetics (formerly Invitae), Labcorp); PubMed 12016587 (cited by Labcorp Genetics (formerly Invitae), Labcorp); PubMed 20177705 (cited by Labcorp Genetics (formerly Invitae), Labcorp); PubMed 27894351 (cited by Labcorp Genetics (formerly Invitae), Labcorp).